The following is an entry in ClinVar:

NM_006231.4(POLE):c.752A>G (p.Asn251Ser)

Gene: POLE (DNA polymerase epsilon, catalytic subunit; minus strand). Cytogenetic location: 12q24.33.
Variant type: single nucleotide variant.
Coding change: c.752A>G on transcript NM_006231.4 (MANE Select); coding-DNA position 752, A replaced by G.
Protein change: p.Asn251Ser; replaces asparagine 251 with serine.
Molecular consequence: missense variant.
Genome position (GRCh38, 1-based): chr12:132,677,412, T>C on the plus strand (A>G on the coding strand, the complement: POLE is on the minus strand). VCF-style: chr12-132677412-T-C. GRCh37 (hg19) VCF-style: chr12-133253998-T-C.
Other names: short protein forms N251S.
Identifiers: ClinVar variation 1759358 (VCV001759358.5), dbSNP rs2542176914, ClinGen allele CA387364497.

ClinVar aggregate classification (germline): Conflicting classifications of pathogenicity. Review status: criteria provided, conflicting classifications (1 of 4 stars). 2 submissions from 2 submitters: Uncertain significance (1); Likely benign (1). Last evaluated 2023-09-29.

Conditions:
Hereditary cancer-predisposing syndrome. Also called: Neoplastic Syndromes, Hereditary; Tumor predisposition; Hereditary Cancer Syndrome; Hereditary neoplastic syndrome. Identifiers: Orphanet 140162, MedGen C0027672, MeSH D009386, MONDO:0015356.

Submissions (2):

Labcorp Genetics (formerly Invitae), Labcorp
Classification: Uncertain significance. Last evaluated: 2023-09-29. Review status: criteria provided, single submitter. Criteria: Invitae Variant Classification Sherloc (09022015). Collection method: clinical testing. Allele origin: germline.
Comment: This sequence change replaces asparagine, which is neutral and polar, with serine, which is neutral and polar, at codon 251 of the POLE protein (p.Asn251Ser). This variant is not present in population databases (gnomAD no frequency). This variant has not been reported in the literature in individuals affected with POLE-related conditions. ClinVar contains an entry for this variant (Variation ID: 1759358). Advanced modeling of protein sequence and biophysical properties (such as structural, functional, and spatial information, amino acid conservation, physicochemical variation, residue mobility, and thermodynamic stability) performed at Invitae indicates that this missense variant is not expected to disrupt POLE protein function. In summary, the available evidence is currently insufficient to determine the role of this variant in disease. Therefore, it has been classified as a Variant of Uncertain Significance.

Ambry Genetics
Classification: Likely benign for Hereditary cancer-predisposing syndrome. Last evaluated: 2021-12-01. Review status: criteria provided, single submitter. Criteria: Ambry Variant Classification Scheme 2023. Collection method: clinical testing. Allele origin: germline.